The following is an entry in ClinVar:

NM_032656.4(DHX37):c.392A>T (p.Lys131Met)

Gene: DHX37 (DEAH-box helicase 37; minus strand). Cytogenetic location: 12q24.31.
Variant type: single nucleotide variant.
Coding change: c.392A>T on transcript NM_032656.4 (MANE Select); coding-DNA position 392, A replaced by T.
Protein change: p.Lys131Met; replaces lysine 131 with methionine.
Molecular consequence: missense variant.
Genome position (GRCh38, 1-based): chr12:124,980,836, T>A on the plus strand (A>T on the coding strand, the complement: DHX37 is on the minus strand). VCF-style: chr12-124980836-T-A. GRCh37 (hg19) VCF-style: chr12-125465382-T-A.
Other names: short protein forms K131M.
Identifiers: ClinVar variation 3013240 (VCV003013240.3), dbSNP rs764453918, ClinGen allele CA6872453.
Genomic context (GRCh38, chr12:124,980,836, plus strand): 5'-CGGTGGGCACCGCTGAGGCTACTGATCTTCTCCTGGCCCGGGGCTACCACCTCGTCAGCC[T>A]TCCTGTTGAGATAGCAGAGACTTCAGGCACAGAGGCCCCACCTCAATCCCAGAGGTCAGG-3'
Protein context (NP_116045.2, residues 121-141): TGNRMYHTKE[Lys131Met]ADEVVAPGQE

ClinVar aggregate classification (germline): Uncertain significance (1 of 4 stars; one submission).

Allele frequency attached by ClinVar (database versions not stated): gnomAD exomes below 0.00001; TOPMed below 0.00001.
gnomAD v4.1: 1 of 1,550,404 alleles (0.000064%); highest among the groups gnomAD compares: Admixed American, 0.0019%; no homozygotes.

Submission:

Labcorp Genetics (formerly Invitae), Labcorp
Classification: Uncertain significance. Last evaluated: 2023-07-28. Review status: criteria provided, single submitter. Criteria: Invitae Variant Classification Sherloc (09022015). Collection method: clinical testing. Allele origin: germline.
Comment: This variant is not present in population databases (gnomAD no frequency). In summary, the available evidence is currently insufficient to determine the role of this variant in disease. Therefore, it has been classified as a Variant of Uncertain Significance. Algorithms developed to predict the effect of sequence changes on RNA splicing suggest that this variant may disrupt the consensus splice site. An algorithm developed to predict the effect of missense changes on protein structure and function (PolyPhen-2) suggests that this variant is likely to be tolerated. This variant has not been reported in the literature in individuals affected with DHX37-related conditions. This sequence change replaces lysine, which is basic and polar, with methionine, which is neutral and non-polar, at codon 131 of the DHX37 protein (p.Lys131Met).